The following is an entry in ClinVar:

NM_001080453.3(INTS1):c.5776G>T (p.Glu1926Ter)

Gene: INTS1 (integrator complex subunit 1; minus strand). Cytogenetic location: 7p22.3.
Variant type: single nucleotide variant.
Coding change: c.5776G>T on transcript NM_001080453.3 (MANE Select); coding-DNA position 5776, G replaced by T.
Protein change: p.Glu1926Ter; replaces glutamic acid 1926 with a stop codon.
Molecular consequence: nonsense.
Genome position (GRCh38, 1-based): chr7:1,474,221, C>A on the plus strand (G>T on the coding strand, the complement: INTS1 is on the minus strand). VCF-style: chr7-1474221-C-A. GRCh37 (hg19) VCF-style: chr7-1513857-C-A.
Other names: short protein forms E1926*.
Identifiers: ClinVar variation 4056800 (VCV004056800.1).

ClinVar aggregate classification (germline): Likely pathogenic (1 of 4 stars; one submission).

Conditions:
Neurodevelopmental disorder with cataracts, poor growth, and dysmorphic facies. Identifiers: MedGen C5231414, MONDO:0032817, OMIM 618571.

gnomAD v4.1: 1 of 1,595,972 alleles (0.000063%); highest among the groups gnomAD compares: South Asian, 0.0011%; no homozygotes.

Submission:

Laboratorio de Genetica e Diagnostico Molecular, Hospital Israelita Albert Einstein
Classification: Likely pathogenic for Neurodevelopmental disorder with cataracts, poor growth, and dysmorphic facies. Last evaluated: 2023-06-02. Review status: criteria provided, single submitter. Criteria: ACMG Guidelines, 2015. Collection method: clinical testing. Allele origin: germline. Affected: yes.
Comment: ACMG classification criteria: PVS1 very strong, PM2 moderate